The following is an entry in ClinVar:

NM_001291415.2(KDM6A):c.727G>A (p.Ala243Thr)

Gene: KDM6A (lysine demethylase 6A; plus strand). Cytogenetic location: Xp11.3.
Variant type: single nucleotide variant.
Coding change: c.727G>A on transcript NM_001291415.2 (MANE Select); coding-DNA position 727, G replaced by A.
Protein change: p.Ala243Thr; replaces alanine 243 with threonine.
Molecular consequence: missense variant. On other transcripts: 5 prime UTR variant (1), non-coding transcript variant (1).
Genome position (GRCh38, 1-based): chrX:45,051,781, G>A. VCF-style: chrX-45051781-G-A. GRCh37 (hg19) VCF-style: chrX-44911026-G-A.
Other names: c.727G>A, p.Ala243Thr (NM_001291416.2, NM_001291417.2, NM_001291418.2 and 1 more transcripts); c.-27G>A (NM_001291421.2); short protein forms A243T.
Identifiers: ClinVar variation 1517586 (VCV001517586.8), dbSNP rs2147917312, ClinGen allele CA412778595.
Genomic context (GRCh38, chrX:45,051,781, plus strand): 5'-TCTGCAAAAGAAGCTTATGAACAACTTTTGCAGACAGAGAATCTTTCTGCACAAGTAAAA[G>A]CAACTGTCTTACAACAGTTAGGTATGTAATAGTATACATTTAGTGTATTATAAGTGCTTC-3'
Protein context (NP_001278344.1, residues 233-253): QTENLSAQVK[Ala243Thr]TVLQQLGWMH

ClinVar aggregate classification (germline): Uncertain significance (1 of 4 stars; one submission).

Conditions:
Kabuki syndrome 2 (KABUK2). Also called: KDM6A-Related Kabuki Syndrome. Identifiers: Orphanet 2322, MedGen C3275495, MONDO:0010465, OMIM 300867.

Submission:

Labcorp Genetics (formerly Invitae), Labcorp
Classification: Uncertain significance for Kabuki syndrome 2. Last evaluated: 2025-08-15. Review status: criteria provided, single submitter. Criteria: Invitae Variant Classification Sherloc (09022015). Collection method: clinical testing. Allele origin: germline.
Comment: This sequence change replaces alanine, which is neutral and non-polar, with threonine, which is neutral and polar, at codon 243 of the KDM6A protein (p.Ala243Thr). This variant is not present in population databases (gnomAD no frequency). This variant has not been reported in the literature in individuals affected with KDM6A-related conditions. ClinVar contains an entry for this variant (Variation ID: 1517586). Invitae Evidence Modeling of protein sequence and biophysical properties (such as structural, functional, and spatial information, amino acid conservation, physicochemical variation, residue mobility, and thermodynamic stability) has been performed for this missense variant. However, the output from this modeling did not meet the statistical confidence thresholds required to predict the impact of this variant on KDM6A protein function. In summary, the available evidence is currently insufficient to determine the role of this variant in disease. Therefore, it has been classified as a Variant of Uncertain Significance.